The following is an entry in ClinVar:

ClinVar aggregate classification (germline): Uncertain significance. Review status: criteria provided, multiple submitters, no conflicts (2 of 4 stars). 2 submissions from 2 submitters: Uncertain significance (2). Last evaluated 2025-07-14.

Conditions:
Inborn genetic diseases. Identifiers: MedGen C0950123, MeSH D030342.
Christianson syndrome (MRXSCH). Also called: INTELLECTUAL DEVELOPMENTAL DISORDER, X-LINKED, SYNDROMIC, CHRISTIANSON TYPE; SLC9A6-Related Syndromic Mental Retardation; X-linked mental retardation, syndromic, Christianson type. Identifiers: Orphanet 85278, MedGen C2678194, MONDO:0010278, OMIM 300243.

Allele frequency attached by ClinVar (database versions not stated): gnomAD exomes below 0.00001; TOPMed 0.00001.
gnomAD v4.1: 3 of 1,180,219 alleles (0.00025%); highest among the groups gnomAD compares: Admixed American, 0.0023%; no homozygotes.

Submissions (2):

Labcorp Genetics (formerly Invitae), Labcorp
Classification: Uncertain significance for Christianson syndrome. Last evaluated: 2025-07-14. Review status: criteria provided, single submitter. Criteria: Invitae Variant Classification Sherloc (09022015). Collection method: clinical testing. Allele origin: germline.
Comment: This sequence change replaces glycine, which is neutral and non-polar, with valine, which is neutral and non-polar, at codon 16 of the SLC9A6 protein (p.Gly16Val). The frequency data for this variant in the population databases is considered unreliable, as metrics indicate poor data quality at this position in the gnomAD database. This variant has not been reported in the literature in individuals affected with SLC9A6-related conditions. ClinVar contains an entry for this variant (Variation ID: 2145646). An algorithm developed to predict the effect of missense changes on protein structure and function (PolyPhen-2) suggests that this variant is likely to be disruptive. In summary, the available evidence is currently insufficient to determine the role of this variant in disease. Therefore, it has been classified as a Variant of Uncertain Significance.

Ambry Genetics
Classification: Uncertain significance for Inborn genetic diseases. Last evaluated: 2025-06-18. Review status: criteria provided, single submitter. Criteria: Ambry Variant Classification Scheme 2023. Collection method: clinical testing. Allele origin: germline.

NM_001379110.1(SLC9A6):c.-56-54G>T

Genes: SLC9A6 (solute carrier family 9 member A6; plus strand), LOC130068746 (ATAC-STARR-seq lymphoblastoid silent region 21025; plus strand). Cytogenetic location: Xq26.3.
Variant type: single nucleotide variant.
Coding change: c.-56-54G>T on transcript NM_001379110.1 (MANE Select); 54 bases into the intron before 56 bases upstream of the start codon, G replaced by T.
Molecular consequence: intron variant. On other transcripts: missense variant (2).
Genome position (GRCh38, 1-based): chrX:135,985,549, G>T. VCF-style: chrX-135985549-G-T. GRCh37 (hg19) VCF-style: chrX-135067708-G-T.
Other names: c.47G>T (NM_006359.2); c.47G>T, p.Gly16Val (NM_001042537.2, NM_006359.3); c.-35-75G>T (NM_001400909.1); c.-56-54G>T (NM_001400910.1, NM_001400911.1, NM_001177651.2 and 3 more transcripts); short protein forms G16V.
Identifiers: ClinVar variation 2145646 (VCV002145646.5), dbSNP rs1556614730, ClinGen allele CA414606406.